The following is an entry in ClinVar:

ClinVar aggregate classification (germline): Uncertain significance (1 of 4 stars; one submission).

Conditions:
Inborn genetic diseases. Identifiers: MedGen C0950123, MeSH D030342.

Submission:

Ambry Genetics
Classification: Uncertain significance for Inborn genetic diseases. Last evaluated: 2025-03-20. Review status: criteria provided, single submitter. Criteria: Ambry Variant Classification Scheme 2023. Collection method: clinical testing. Allele origin: germline.
Comment: The p.I114V variant (also known as c.340A>G), located in coding exon 3 of the SBDS gene, results from an A to G substitution at nucleotide position 340. The isoleucine at codon 114 is replaced by valine, an amino acid with highly similar properties. This amino acid position is conserved. In addition, the in silico prediction for this alteration is inconclusive. Based on the available evidence, the clinical significance of this variant remains unclear.

NM_016038.4(SBDS):c.340A>G (p.Ile114Val)

Gene: SBDS (SBDS ribosome maturation factor; minus strand). Cytogenetic location: 7q11.21.
Variant type: single nucleotide variant.
Coding change: c.340A>G on transcript NM_016038.4 (MANE Select); coding-DNA position 340, A replaced by G.
Protein change: p.Ile114Val; replaces isoleucine 114 with valine.
Molecular consequence: missense variant.
Genome position (GRCh38, 1-based): chr7:66,993,336, T>C on the plus strand (A>G on the coding strand, the complement: SBDS is on the minus strand). VCF-style: chr7-66993336-T-C. GRCh37 (hg19) VCF-style: chr7-66458323-T-C.
Other names: short protein forms I114V.
Identifiers: ClinVar variation 3950296 (VCV003950296.1).